The following is an entry in ClinVar:

ClinVar aggregate classification (germline): Pathogenic/Likely pathogenic. Review status: criteria provided, multiple submitters, no conflicts (2 of 4 stars). 2 submissions from 2 submitters: Pathogenic (1); Likely pathogenic (1). Last evaluated 2020-04-08.

Conditions:
Maturity-onset diabetes of the young (MODY). Also called: Maturity onset diabetes mellitus in young. Identifiers: Orphanet 552, MedGen C0342276, MONDO:0018911, HP:0004904.

Submissions (2):

Athena Diagnostics
Classification: Pathogenic. Last evaluated: 2020-04-08. Review status: criteria provided, single submitter. Criteria: Athena Diagnostics Criteria. Collection method: clinical testing. Allele origin: unknown.
Comment: The variant results in a shift of the reading frame, and is therefore predicted to result in the loss of a functional protein. Found in at least one patient with expected phenotype for this gene, and not found in general population data.

Clinical Genomics, Uppaluri K&H Personalized Medicine Clinic
Classification: Likely pathogenic for Maturity-onset diabetes of the young. Review status: criteria provided, single submitter. Criteria: K & H Uppaluri Personalized Medicine Clinic Variant Classification & Assertion Criteria_Updated V.1. Collection method: research. Allele origin: unknown. Inheritance: Autosomal dominant inheritance.
Comment: Mutations in HNF1A gene can predispose to MODY3. It is associated with both micro and macrovascular complications of diabetes, especially cardiovascular complications. Associated with glucosuria. May respond well to sulfonylureas. However, more evidence is required to confer the association of this particular variant rs1877180449 with MODY3.

Literature cited by the submitters: PubMed 31517624 (cited by Clinical Genomics, Uppaluri K&H Personalized Medicine Clinic); PubMed 32395877 (cited by Clinical Genomics, Uppaluri K&H Personalized Medicine Clinic); PubMed 35328643 (cited by Clinical Genomics, Uppaluri K&H Personalized Medicine Clinic); PubMed 35673428 (cited by Clinical Genomics, Uppaluri K&H Personalized Medicine Clinic).

NM_000545.8(HNF1A):c.1463_1473del (p.Pro488fs)

Gene: HNF1A (HNF1 homeobox A; plus strand). Cytogenetic location: 12q24.31.
Variant type: Deletion.
Coding change: c.1463_1473del on transcript NM_000545.8 (MANE Select); coding-DNA positions 1463 to 1473, 11 bases deleted (CCTTCATGGCC).
Protein change: p.Pro488fs; shifts the reading frame from proline 488.
Molecular consequence: frameshift variant.
Genome position (GRCh38, 1-based): chr12:120,997,627-120,997,637, CCTTCATGGCC deleted; deleting any 11 consecutive bases within chr12:120,997,624-120,997,637 gives the same sequence; the c. name uses the placement nearest the transcript's 3' end. VCF-style (leftmost placement, unchanged base first): chr12-120997623-AGCCCCTTCATG-A. GRCh37 (hg19) VCF-style: chr12-121435426-AGCCCCTTCATG-A.
Other names: c.1463_1473del, p.Pro488fs (NM_001306179.2); short protein forms P488fs.
Identifiers: ClinVar variation 995307 (VCV000995307.2), dbSNP rs1877180449, ClinGen allele CA1139662932.